The following is an entry in ClinVar:

NM_000400.4(ERCC2):c.1054G>A (p.Glu352Lys)

Gene: ERCC2 (ERCC excision repair 2, TFIIH core complex helicase subunit; minus strand). Cytogenetic location: 19q13.32.
Variant type: single nucleotide variant.
Coding change: c.1054G>A on transcript NM_000400.4 (MANE Select); coding-DNA position 1054, G replaced by A.
Protein change: p.Glu352Lys; replaces glutamic acid 352 with lysine.
Molecular consequence: missense variant.
Genome position (GRCh38, 1-based): chr19:45,363,807, C>T on the plus strand (G>A on the coding strand, the complement: ERCC2 is on the minus strand). VCF-style: chr19-45363807-C-T. GRCh37 (hg19) VCF-style: chr19-45867065-C-T.
Other names: c.982G>A, p.Glu328Lys (NM_001130867.2); short protein forms E328K, E352K.
Identifiers: ClinVar variation 3231616 (VCV003231616.1), dbSNP rs1214025738, ClinGen allele CA406372441.

ClinVar aggregate classification (germline): Uncertain significance (1 of 4 stars; one submission).

Conditions:
Inborn genetic diseases. Identifiers: MedGen C0950123, MeSH D030342.

Submission:

Ambry Genetics
Classification: Uncertain significance for Inborn genetic diseases. Last evaluated: 2023-09-21. Review status: criteria provided, single submitter. Criteria: Ambry Variant Classification Scheme 2023. Collection method: clinical testing. Allele origin: germline.
Comment: The p.E352K variant (also known as c.1054G>A), located in coding exon 11 of the ERCC2 gene, results from a G to A substitution at nucleotide position 1054. The glutamic acid at codon 352 is replaced by lysine, an amino acid with similar properties. This amino acid position is conserved. In addition, this alteration is predicted to be deleterious by in silico analysis. Since supporting evidence is limited at this time, the clinical significance of this alteration remains unclear.